The following is an entry in ClinVar:

NM_000179.3(MSH6):c.1708A>T (p.Ile570Leu)

Gene: MSH6 (mutS homolog 6; plus strand). Cytogenetic location: 2p16.3.
Variant type: single nucleotide variant.
Coding change: c.1708A>T on transcript NM_000179.3 (MANE Select); coding-DNA position 1708, A replaced by T.
Protein change: p.Ile570Leu; replaces isoleucine 570 with leucine.
Molecular consequence: missense variant.
Genome position (GRCh38, 1-based): chr2:47,799,691, A>T. VCF-style: chr2-47799691-A-T. GRCh37 (hg19) VCF-style: chr2-48026830-A-T.
Other names: c.1318A>T, p.Ile440Leu (NM_001281492.2); c.802A>T, p.Ile268Leu (NM_001281493.2, NM_001281494.2); short protein forms I570L, I268L, I440L.
Identifiers: ClinVar variation 485855 (VCV000485855.6), dbSNP rs61748081, ClinGen allele CA346748563.

ClinVar aggregate classification (germline): Uncertain significance. Review status: criteria provided, multiple submitters, no conflicts (2 of 4 stars). 2 submissions from 2 submitters: Uncertain significance (2). Last evaluated 2025-02-05.

Conditions:
Hereditary cancer-predisposing syndrome. Also called: Tumor predisposition; Hereditary Cancer Syndrome; Hereditary neoplastic syndrome; Neoplastic Syndromes, Hereditary. Identifiers: Orphanet 140162, MedGen C0027672, MeSH D009386, MONDO:0015356.

Submissions (2):

Molecular Diagnostics Laboratory, Catalan Institute of Oncology
Classification: Uncertain significance for Hereditary cancer-predisposing syndrome. Last evaluated: 2025-02-05. Review status: criteria provided, single submitter. Criteria: MMR VCEP Paper Draft V3.1. Collection method: clinical testing. Allele origin: germline.
Comment: PM2_Supporting, BP4 c.1708A>T located in exon 4 of the MSH6 gene, is predicted to result in the substitution of isoleucine by leucine at codon 570, p.(Ile570Leu).It is not present in the population database gnomAD v2.1.1, non cancer dataset (PM2_Supporting). R36 Computational tools for this variant suggests no significant impact on splicing and does not affect the protein function (MAPP+PolyPhen-2 prior probability for pathogenicity: 0.002)(BP4). In addition, the variant was also identified in the ClinVar database (1x uncertain significance) but is not present neither in LOVD nor in InSiGHT databases. To our knowledge, neither relevant clinical data nor functional studies have been reported for this variant. Based on currently available information, the variant c.1708A>T is classified an uncertain significance variant according to ACMG guidelines.

Ambry Genetics
Classification: Uncertain significance for Hereditary cancer-predisposing syndrome. Last evaluated: 2017-05-01. Review status: criteria provided, single submitter. Criteria: Ambry Variant Classification Scheme 2023. Collection method: clinical testing. Allele origin: germline.
Comment: The p.I570L variant (also known as c.1708A>T), located in coding exon 4 of the MSH6 gene, results from an A to T substitution at nucleotide position 1708. The isoleucine at codon 570 is replaced by leucine, an amino acid with highly similar properties. This amino acid position is not well conserved in available vertebrate species. In addition, this alteration is predicted to be tolerated by in silico analysis. In addition, the CoDP in silico tool predicts this alteration to have minor impact on molecular function, with a score of 0.007 (Terui H et al. J. Biomed. Sci. 2013 Apr;20:25). Since supporting evidence is limited at this time, the clinical significance of this alteration remains unclear.